The following is an entry in ClinVar:

ClinVar aggregate classification (germline): Uncertain significance (1 of 4 stars; one submission).

gnomAD v4.1: 4 of 1,614,054 alleles (0.00025%); highest among the groups gnomAD compares: South Asian, 0.0011%; no homozygotes.

Submission:

Labcorp Genetics (formerly Invitae), Labcorp
Classification: Uncertain significance. Last evaluated: 2024-03-04. Review status: criteria provided, single submitter. Criteria: Invitae Variant Classification Sherloc (09022015). Collection method: clinical testing. Allele origin: germline.
Comment: This sequence change replaces lysine, which is basic and polar, with arginine, which is basic and polar, at codon 338 of the SUCLG2 protein (p.Lys338Arg). This variant is present in population databases (no rsID available, gnomAD 0.003%). This variant has not been reported in the literature in individuals affected with SUCLG2-related conditions. Algorithms developed to predict the effect of missense changes on protein structure and function output the following: SIFT: "Not Available"; PolyPhen-2: "Benign"; Align-GVGD: "Not Available". The arginine amino acid residue is found in multiple mammalian species, which suggests that this missense change does not adversely affect protein function. In summary, the available evidence is currently insufficient to determine the role of this variant in disease. Therefore, it has been classified as a Variant of Uncertain Significance.

NM_003848.4(SUCLG2):c.1013A>G (p.Lys338Arg)

Gene: SUCLG2 (succinate-CoA ligase GDP-forming subunit beta; minus strand). Cytogenetic location: 3p14.1.
Variant type: single nucleotide variant.
Coding change: c.1013A>G on transcript NM_003848.4 (MANE Select); coding-DNA position 1013, A replaced by G.
Protein change: p.Lys338Arg; replaces lysine 338 with arginine.
Molecular consequence: missense variant.
Genome position (GRCh38, 1-based): chr3:67,495,847, T>C on the plus strand (A>G on the coding strand, the complement: SUCLG2 is on the minus strand). VCF-style: chr3-67495847-T-C. GRCh37 (hg19) VCF-style: chr3-67546271-T-C.
Other names: c.1013A>G, p.Lys338Arg (NM_001177599.2); short protein forms K338R.
Identifiers: ClinVar variation 3698948 (VCV003698948.2).